The following is an entry in ClinVar:

NM_021942.6(TRAPPC11):c.3023T>C (p.Ile1008Thr)

Gene: TRAPPC11 (trafficking protein particle complex subunit 11; plus strand). Cytogenetic location: 4q35.1.
Variant type: single nucleotide variant.
Coding change: c.3023T>C on transcript NM_021942.6 (MANE Select); coding-DNA position 3023, T replaced by C.
Protein change: p.Ile1008Thr; replaces isoleucine 1008 with threonine.
Molecular consequence: missense variant.
Genome position (GRCh38, 1-based): chr4:183,705,038, T>C. VCF-style: chr4-183705038-T-C. GRCh37 (hg19) VCF-style: chr4-184626191-T-C.
Other names: c.3023T>C, p.Ile1008Thr (NM_199053.3); short protein forms I1008T.
Identifiers: ClinVar variation 2706903 (VCV002706903.3), dbSNP rs2476962437, ClinGen allele CA358874319.

ClinVar aggregate classification (germline): Uncertain significance (1 of 4 stars; one submission).

Conditions:
Autosomal recessive limb-girdle muscular dystrophy type R18 (LGMDR18). Also called: Limb-girdle muscular dystrophy, type 2S; MUSCULAR DYSTROPHY, LIMB-GIRDLE, AUTOSOMAL RECESSIVE 18; Autosomal recessive limb-girdle muscular dystrophy type 2S. Identifiers: Orphanet 369840, MedGen C4517996, MONDO:0014144, OMIM 615356.

Submission:

Labcorp Genetics (formerly Invitae), Labcorp
Classification: Uncertain significance for Autosomal recessive limb-girdle muscular dystrophy type R18. Last evaluated: 2024-01-03. Review status: criteria provided, single submitter. Criteria: Invitae Variant Classification Sherloc (09022015). Collection method: clinical testing. Allele origin: germline.
Comment: This sequence change replaces isoleucine, which is neutral and non-polar, with threonine, which is neutral and polar, at codon 1008 of the TRAPPC11 protein (p.Ile1008Thr). This variant is not present in population databases (gnomAD no frequency). This variant has not been reported in the literature in individuals affected with TRAPPC11-related conditions. Advanced modeling of protein sequence and biophysical properties (such as structural, functional, and spatial information, amino acid conservation, physicochemical variation, residue mobility, and thermodynamic stability) performed at Invitae indicates that this missense variant is not expected to disrupt TRAPPC11 protein function with a negative predictive value of 80%. In summary, the available evidence is currently insufficient to determine the role of this variant in disease. Therefore, it has been classified as a Variant of Uncertain Significance.